The following is an entry in ClinVar:

ClinVar aggregate classification (germline): Benign. Review status: criteria provided, multiple submitters, no conflicts (2 of 4 stars). 2 submissions from 2 submitters: Benign (2). Last evaluated 2018-06-14.

Allele frequency attached by ClinVar (database versions not stated): gnomAD exomes 0.42432; ESP Exome Variant Server 0.48532; gnomAD 0.48828 and 0.49311; TOPMed 0.49965; 1000 Genomes Project 0.52077; 1000 Genomes Project 30x 0.52077.
gnomAD v4.1: 612,974 of 1,419,922 alleles (43%); highest among the groups gnomAD compares: African/African-American, 64%; 136,462 homozygotes.

Submissions (2):

GeneDx
Classification: Benign. Last evaluated: 2018-06-14. Review status: criteria provided, single submitter. Criteria: GeneDx Variant Classification (06012015). Collection method: clinical testing. Allele origin: germline. Affected: yes.
Comment: This variant is considered likely benign or benign based on one or more of the following criteria: it is a conservative change, it occurs at a poorly conserved position in the protein, it is predicted to be benign by multiple in silico algorithms, and/or has population frequency not consistent with disease.

Breakthrough Genomics
Classification: Benign. Review status: criteria provided, single submitter. Criteria: ACMG Guidelines, 2015. Collection method: not provided. Allele origin: germline. Inheritance: Autosomal dominant inheritance. Affected: yes.

NM_001098511.3(KIF2A):c.964-65T>C

Gene: KIF2A (kinesin family member 2A; plus strand). Cytogenetic location: 5q12.1.
Variant type: single nucleotide variant.
Coding change: c.964-65T>C on transcript NM_001098511.3 (MANE Select); 65 bases into the intron before coding-DNA position 964, T replaced by C.
Molecular consequence: intron variant.
Genome position (GRCh38, 1-based): chr5:62,361,401, T>C. VCF-style: chr5-62361401-T-C. GRCh37 (hg19) VCF-style: chr5-61657228-T-C.
Other names: c.883-65T>C (NM_001243952.2); c.964-65T>C (NM_004520.5); c.907-65T>C (NM_001243953.2).
Identifiers: ClinVar variation 682872 (VCV000682872.2), dbSNP rs247265, ClinGen allele CA12099569.